The following is an entry in ClinVar:

NM_017780.4(CHD7):c.3196C>T (p.Pro1066Ser)

Gene: CHD7 (chromodomain helicase DNA binding protein 7; plus strand). Cytogenetic location: 8q12.2.
Variant type: single nucleotide variant.
Coding change: c.3196C>T on transcript NM_017780.4 (MANE Select); coding-DNA position 3196, C replaced by T.
Protein change: p.Pro1066Ser; replaces proline 1066 with serine.
Molecular consequence: missense variant. On other transcripts: intron variant (1).
Genome position (GRCh38, 1-based): chr8:60,822,741, C>T. VCF-style: chr8-60822741-C-T. GRCh37 (hg19) VCF-style: chr8-61735300-C-T.
Other names: c.1717-39488C>T (NM_001316690.1); short protein forms P1066S.
Identifiers: ClinVar variation 3632792 (VCV003632792.3).

ClinVar aggregate classification (germline): Uncertain significance. Review status: criteria provided, multiple submitters, no conflicts (2 of 4 stars). 2 submissions from 2 submitters: Uncertain significance (2). Last evaluated 2025-11-11.

Conditions:
CHARGE syndrome (CHARGE). Also called: Hittner Hirsch Kreh syndrome; CHARGE ASSOCIATION--COLOBOMA, HEART ANOMALY, CHOANAL ATRESIA, RETARDATION, GENITAL AND EAR ANOMALIES; Coloboma, heart anomaly, choanal atresia, retardation, genital and ear anomalies; CHARGE association; Hall-Hittner syndrome. Identifiers: Orphanet 138, MedGen C0265354, MONDO:0008965.

Submissions (2):

Labcorp Genetics (formerly Invitae), Labcorp
Classification: Uncertain significance for CHARGE syndrome. Last evaluated: 2025-11-11. Review status: criteria provided, single submitter. Criteria: Invitae Variant Classification Sherloc (09022015). Collection method: clinical testing. Allele origin: germline.
Comment: This sequence change replaces proline, which is neutral and non-polar, with serine, which is neutral and polar, at codon 1066 of the CHD7 protein (p.Pro1066Ser). This variant is not present in population databases (gnomAD no frequency). This variant has not been reported in the literature in individuals affected with CHD7-related conditions. ClinVar contains an entry for this variant (Variation ID: 3632792). Invitae Evidence Modeling of protein sequence and biophysical properties (such as structural, functional, and spatial information, amino acid conservation, physicochemical variation, residue mobility, and thermodynamic stability) indicates that this missense variant is not expected to disrupt CHD7 protein function with a negative predictive value of 95%. In summary, the available evidence is currently insufficient to determine the role of this variant in disease. Therefore, it has been classified as a Variant of Uncertain Significance.

GeneDx
Classification: Uncertain significance. Last evaluated: 2025-05-06. Review status: criteria provided, single submitter. Criteria: GeneDx Variant Classification Process June 2021. Collection method: clinical testing. Allele origin: germline. Affected: yes.
Comment: Not observed at significant frequency in large population cohorts (gnomAD); In silico analysis suggests that this missense variant does not alter protein structure/function; Has not been previously published as pathogenic or benign to our knowledge